The following is an entry in ClinVar:

ClinVar aggregate classification (germline): Uncertain significance. Review status: criteria provided, multiple submitters, no conflicts (2 of 4 stars). 2 submissions from 2 submitters: Uncertain significance (2). Last evaluated 2024-07-30.

Conditions:
Inborn genetic diseases. Identifiers: MedGen C0950123, MeSH D030342.

Allele frequency attached by ClinVar (database versions not stated): ExAC 0.00001; gnomAD exomes 0.00001; gnomAD 0.00004; TOPMed 0.00004.
gnomAD v4.1: 9 of 1,604,756 alleles (0.00056%); highest among the groups gnomAD compares: African/African-American, 0.011%; no homozygotes.

Submissions (2):

Labcorp Genetics (formerly Invitae), Labcorp
Classification: Uncertain significance. Last evaluated: 2024-07-30. Review status: criteria provided, single submitter. Criteria: Invitae Variant Classification Sherloc (09022015). Collection method: clinical testing. Allele origin: germline.
Comment: This sequence change replaces aspartic acid, which is acidic and polar, with histidine, which is basic and polar, at codon 935 of the NEFH protein (p.Asp935His). This variant is present in population databases (rs756746815, gnomAD 0.008%). This variant has not been reported in the literature in individuals affected with NEFH-related conditions. ClinVar contains an entry for this variant (Variation ID: 1796241). Advanced modeling of protein sequence and biophysical properties (such as structural, functional, and spatial information, amino acid conservation, physicochemical variation, residue mobility, and thermodynamic stability) performed at Invitae indicates that this missense variant is not expected to disrupt NEFH protein function with a negative predictive value of 95%. In summary, the available evidence is currently insufficient to determine the role of this variant in disease. Therefore, it has been classified as a Variant of Uncertain Significance.

Ambry Genetics
Classification: Uncertain significance for Inborn genetic diseases. Last evaluated: 2019-11-06. Review status: criteria provided, single submitter. Criteria: Ambry Variant Classification Scheme 2023. Collection method: clinical testing. Allele origin: germline.
Comment: The p.D935H variant (also known as c.2803G>C), located in coding exon 4 of the NEFH gene, results from a G to C substitution at nucleotide position 2803. The aspartic acid at codon 935 is replaced by histidine, an amino acid with similar properties. This amino acid position is not well conserved in available vertebrate species. In addition, this alteration is predicted to be tolerated by in silico analysis. Since supporting evidence is limited at this time, the clinical significance of this alteration remains unclear.

NM_021076.4(NEFH):c.2803G>C (p.Asp935His)

Gene: NEFH (neurofilament heavy chain; plus strand). Cytogenetic location: 22q12.2.
Variant type: single nucleotide variant.
Coding change: c.2803G>C on transcript NM_021076.4 (MANE Select); coding-DNA position 2803, G replaced by C.
Protein change: p.Asp935His; replaces aspartic acid 935 with histidine.
Molecular consequence: missense variant.
Genome position (GRCh38, 1-based): chr22:29,490,443, G>C. VCF-style: chr22-29490443-G-C. GRCh37 (hg19) VCF-style: chr22-29886432-G-C.
Other names: short protein forms D935H.
Identifiers: ClinVar variation 1796241 (VCV001796241.4), dbSNP rs756746815, ClinGen allele CA10174494.